The following is an entry in ClinVar:

NM_001365999.1(SZT2):c.9478C>T (p.Gln3160Ter)

Genes: SZT2 (SZT2 subunit of KICSTOR complex; plus strand), SZT2-AS1 (SZT2 antisense RNA 1; minus strand). Cytogenetic location: 1p34.2.
Variant type: single nucleotide variant.
Coding change: c.9478C>T on transcript NM_001365999.1 (MANE Select); coding-DNA position 9478, C replaced by T.
Protein change: p.Gln3160Ter; replaces glutamine 3160 with a stop codon.
Molecular consequence: nonsense. On other transcripts: non-coding transcript variant (1).
Genome position (GRCh38, 1-based): chr1:43,447,886, C>T. VCF-style: chr1-43447886-C-T. GRCh37 (hg19) VCF-style: chr1-43913557-C-T.
Other names: c.9307C>T, p.Gln3103Ter (NM_015284.4); short protein forms Q3103*, Q3160*.
Identifiers: ClinVar variation 640754 (VCV000640754.9), dbSNP rs1570741194, ClinGen allele CA340043377.

ClinVar aggregate classification (germline): Pathogenic. Review status: criteria provided, single submitter (1 of 4 stars). 2 submissions from 2 submitters: Pathogenic (1). 1 of the submissions does not count toward it. Last evaluated 2021-03-06.

Conditions:
SZT2-related disorder. Also called: SZT2-related condition.

Allele frequency attached by ClinVar (database versions not stated): TOPMed below 0.00001; gnomAD 0.00001.
gnomAD v4.1: 2 of 1,613,962 alleles (0.00012%); highest among the groups gnomAD compares: Non-Finnish European, 0.000085%; no homozygotes.

Submissions (2):

Labcorp Genetics (formerly Invitae), Labcorp
Classification: Pathogenic. Last evaluated: 2021-03-06. Review status: criteria provided, single submitter. Criteria: Invitae Variant Classification Sherloc (09022015). Collection method: clinical testing. Allele origin: germline.
Comment: This sequence change creates a premature translational stop signal (p.Gln3103*) in the SZT2 gene. It is expected to result in an absent or disrupted protein product. Loss-of-function variants in SZT2 are known to be pathogenic (PMID: 23932106, 27248490, 28556953). This variant is not present in population databases (ExAC no frequency). This variant has not been reported in the literature in individuals with SZT2-related conditions. For these reasons, this variant has been classified as Pathogenic.

PreventionGenetics, part of Exact Sciences
Classification: Likely pathogenic for SZT2-related condition. Last evaluated: 2024-07-16. Review status: no assertion criteria provided. Collection method: clinical testing. Allele origin: germline. Not counted in ClinVar's aggregate classification.
Comment: The SZT2 c.9307C>T variant is predicted to result in premature protein termination (p.Gln3103*). This variant was reported in the heterozygous state in an individual with epilepsy as part of a large-scale cohort sequencing study; however, a second allele was not reported, and it is unclear if this variant contributed to disease in this case (Table S2, Truty et al 2019. PubMed ID: 31440721). This variant has not been reported in a large population database, indicating it is rare. Nonsense variants in SZT2 are expected to be pathogenic. This variant is interpreted as likely pathogenic.

Literature cited by the submitters: PubMed 23932106 (cited by Labcorp Genetics (formerly Invitae), Labcorp); PubMed 27248490 (cited by Labcorp Genetics (formerly Invitae), Labcorp); PubMed 28556953 (cited by Labcorp Genetics (formerly Invitae), Labcorp).